The following is an entry in ClinVar:

NM_024635.4(NAA35):c.1837C>G (p.Gln613Glu)

Gene: NAA35 (N-alpha-acetyltransferase 35, NatC auxiliary subunit; plus strand). Cytogenetic location: 9q21.33.
Variant type: single nucleotide variant.
Coding change: c.1837C>G on transcript NM_024635.4 (MANE Select); coding-DNA position 1837, C replaced by G.
Protein change: p.Gln613Glu; replaces glutamine 613 with glutamic acid.
Molecular consequence: missense variant.
Genome position (GRCh38, 1-based): chr9:86,018,318, C>G. VCF-style: chr9-86018318-C-G. GRCh37 (hg19) VCF-style: chr9-88633233-C-G.
Other names: c.1837C>G (NM_024635.3); c.1837C>G, p.Gln613Glu (NM_001321881.2, NM_001321882.2); short protein forms Q613E.
Identifiers: ClinVar variation 2875232 (VCV002875232.4), dbSNP rs1832335231, ClinGen allele CA373941529.

ClinVar aggregate classification (germline): Uncertain significance. Review status: criteria provided, multiple submitters, no conflicts (2 of 4 stars). 2 submissions from 2 submitters: Uncertain significance (2). Last evaluated 2025-08-28.

Allele frequency attached by ClinVar (database versions not stated): gnomAD exomes below 0.00001; TOPMed below 0.00001.
gnomAD v4.1: 1 of 1,613,978 alleles (0.000062%); highest among the groups gnomAD compares: Admixed American, 0.0017%; no homozygotes.

Submissions (2):

Ambry Genetics
Classification: Uncertain significance. Last evaluated: 2025-08-28. Review status: criteria provided, single submitter. Criteria: Ambry Variant Classification Scheme 2023. Collection method: clinical testing. Allele origin: germline.

Labcorp Genetics (formerly Invitae), Labcorp
Classification: Uncertain significance. Last evaluated: 2023-08-17. Review status: criteria provided, single submitter. Criteria: Invitae Variant Classification Sherloc (09022015). Collection method: clinical testing. Allele origin: germline.
Comment: In summary, the available evidence is currently insufficient to determine the role of this variant in disease. Therefore, it has been classified as a Variant of Uncertain Significance. An algorithm developed to predict the effect of missense changes on protein structure and function (PolyPhen-2) suggests that this variant is likely to be tolerated. This variant has not been reported in the literature in individuals affected with NAA35-related conditions. This variant is not present in population databases (gnomAD no frequency). This sequence change replaces glutamine, which is neutral and polar, with glutamic acid, which is acidic and polar, at codon 613 of the NAA35 protein (p.Gln613Glu).